The following is an entry in ClinVar:

ClinVar aggregate classification (germline): Uncertain significance (1 of 4 stars; one submission).

Conditions:
Autosomal recessive limb-girdle muscular dystrophy type 2W (MDRCMTT). Also called: Muscular dystrophy, autosomal recessive, with cardiomyopathy and triangular tongue; Muscular dystrophy, limb-girdle, type 2W. Identifiers: MedGen C4225192, MONDO:0014788, OMIM 616827.

Allele frequency attached by ClinVar (database versions not stated): ExAC 0.00002; gnomAD exomes 0.00002; TOPMed 0.00002; gnomAD 0.00003 and 0.00004; ESP Exome Variant Server 0.00008.

Submission:

Labcorp Genetics (formerly Invitae), Labcorp
Classification: Uncertain significance for Autosomal recessive limb-girdle muscular dystrophy type 2W. Last evaluated: 2021-08-30. Review status: criteria provided, single submitter. Criteria: Invitae Variant Classification Sherloc (09022015). Collection method: clinical testing. Allele origin: germline.
Comment: This sequence change replaces aspartic acid with histidine at codon 133 of the LIMS2 protein (p.Asp133His). The aspartic acid residue is highly conserved and there is a moderate physicochemical difference between aspartic acid and histidine. This variant is present in population databases (rs371008915, ExAC 0.003%). This variant has not been reported in the literature in individuals affected with LIMS2-related conditions. Algorithms developed to predict the effect of missense changes on protein structure and function are either unavailable or do not agree on the potential impact of this missense change (SIFT: "Deleterious"; PolyPhen-2: "Possibly Damaging"; Align-GVGD: "Class C15"). In summary, the available evidence is currently insufficient to determine the role of this variant in disease. Therefore, it has been classified as a Variant of Uncertain Significance.

NM_001161403.3(LIMS2):c.331G>C (p.Asp111His)

Gene: LIMS2 (LIM zinc finger domain containing 2; minus strand). Cytogenetic location: 2q14.3.
Variant type: single nucleotide variant.
Coding change: c.331G>C on transcript NM_001161403.3 (MANE Select); coding-DNA position 331, G replaced by C.
Protein change: p.Asp111His; replaces aspartic acid 111 with histidine.
Molecular consequence: missense variant.
Genome position (GRCh38, 1-based): chr2:127,654,452, C>G on the plus strand (G>C on the coding strand, the complement: LIMS2 is on the minus strand). VCF-style: chr2-127654452-C-G. GRCh37 (hg19) VCF-style: chr2-128412026-C-G.
Other names: c.397G>C, p.Asp133His (NM_001136037.4); c.316G>C, p.Asp106His (NM_001161404.2); c.403G>C, p.Asp135His (NM_017980.5); short protein forms D106H, D111H, D133H, D135H.
Identifiers: ClinVar variation 1420873 (VCV001420873.5), dbSNP rs371008915, ClinGen allele CA1863444.
Genomic context (GRCh38, chr2:127,654,452, plus strand): 5'-CAGTCCTCTCTGGCCCAACACGGCCACCTCACCTGCCGGCATTCTTCACAAAGCCCAGGT[C>G]AGCCAGCTCCACATCACACAGCTCGCAGCGGAAGCAGCCCGGGTGCCAGTTGTTGTTCAT-3'
Protein context (NP_001154875.1, residues 101-121): RCELCDVELA[Asp111His]LGFVKNAGRH